The following is an entry in ClinVar:

NM_001458.5(FLNC):c.360G>A (p.Lys120=)

Gene: FLNC (filamin C; plus strand). Cytogenetic location: 7q32.1.
Variant type: single nucleotide variant.
Coding change: c.360G>A on transcript NM_001458.5 (MANE Select); coding-DNA position 360, G replaced by A.
Protein change: p.Lys120=; no amino-acid change (lysine 120 retained).
Molecular consequence: synonymous variant.
Genome position (GRCh38, 1-based): chr7:128,835,333, G>A. VCF-style: chr7-128835333-G-A. GRCh37 (hg19) VCF-style: chr7-128475387-G-A.
Other names: c.360G>A, p.Lys120= (NM_001127487.2); c.360G>A (NM_001458.4).
Identifiers: ClinVar variation 1619650 (VCV001619650.34), dbSNP rs867399299, ClinGen allele CA166212767.

ClinVar aggregate classification (germline): Likely benign. Review status: criteria provided, multiple submitters, no conflicts (2 of 4 stars). 4 submissions from 4 submitters: Likely benign (4). Last evaluated 2026-02-03.

Conditions:
Myofibrillar myopathy 5. Also called: Filaminopathy (type); FILAMINOPATHY, AUTOSOMAL DOMINANT. Identifiers: Orphanet 171445, MedGen C1836050, MONDO:0012289, OMIM 609524.
Distal myopathy with posterior leg and anterior hand involvement. Also called: WILLIAMS DISTAL MYOPATHY. Identifiers: Orphanet 63273, MedGen C3279722, MONDO:0013550, OMIM 614065.
Hypertrophic cardiomyopathy 26. Also called: Cardiomyopathy, familial hypertrophic, 26. Identifiers: Orphanet 75249, MedGen C4310749, MONDO:0014883, OMIM 617047.
Cardiovascular phenotype. Identifiers: MedGen CN230736.

Allele frequency attached by ClinVar (database versions not stated): gnomAD exomes 0.00001; TOPMed 0.00001; gnomAD 0.00002.
gnomAD v4.1: 17 of 1,613,588 alleles (0.0011%); highest among the groups gnomAD compares: Non-Finnish European, 0.0014%; no homozygotes.

Submissions (4):

Labcorp Genetics (formerly Invitae), Labcorp
Classification: Likely benign for Distal myopathy with posterior leg and anterior hand involvement; Myofibrillar myopathy 5; Hypertrophic cardiomyopathy 26. Last evaluated: 2026-02-03. Review status: criteria provided, single submitter. Criteria: Invitae Variant Classification Sherloc (09022015). Collection method: clinical testing. Allele origin: germline.

Ambry Genetics
Classification: Likely benign for Cardiovascular phenotype. Last evaluated: 2024-11-05. Review status: criteria provided, single submitter. Criteria: Ambry Variant Classification Scheme 2023. Collection method: clinical testing. Allele origin: germline.

Blueprint Genetics
Classification: Likely benign. Last evaluated: 2023-05-26. Review status: criteria provided, single submitter. Criteria: ACMG Guidelines, 2015. Collection method: clinical testing. Allele origin: germline.

CeGaT Center for Human Genetics Tuebingen
Classification: Likely benign. Last evaluated: 2023-02-01. Review status: criteria provided, single submitter. Criteria: CeGaT Center For Human Genetics Tuebingen Variant Classification Criteria Version 2. Collection method: clinical testing. Allele origin: germline. Affected: yes. Observed: 1 variant allele.
Comment: FLNC: BP4, BP7